The following is an entry in ClinVar:

NM_000179.3(MSH6):c.1354A>T (p.Met452Leu)

Gene: MSH6 (mutS homolog 6; plus strand). Cytogenetic location: 2p16.3.
Variant type: single nucleotide variant.
Coding change: c.1354A>T on transcript NM_000179.3 (MANE Select); coding-DNA position 1354, A replaced by T.
Protein change: p.Met452Leu; replaces methionine 452 with leucine.
Molecular consequence: missense variant.
Genome position (GRCh38, 1-based): chr2:47,799,337, A>T. VCF-style: chr2-47799337-A-T. GRCh37 (hg19) VCF-style: chr2-48026476-A-T.
Other names: c.1354A>T (NM_000179.2); c.964A>T, p.Met322Leu (NM_001281492.2); c.448A>T, p.Met150Leu (NM_001281493.2, NM_001281494.2); short protein forms M322L, M452L, M150L.
Identifiers: ClinVar variation 1045530 (VCV001045530.10), dbSNP rs780734507, ClinGen allele CA346744692.

ClinVar aggregate classification (germline): Uncertain significance. Review status: criteria provided, multiple submitters, no conflicts (2 of 4 stars). 2 submissions from 2 submitters: Uncertain significance (2). Last evaluated 2025-08-25.

Conditions:
Hereditary cancer-predisposing syndrome. Also called: Hereditary Cancer Syndrome; Hereditary neoplastic syndrome; Neoplastic Syndromes, Hereditary; Tumor predisposition. Identifiers: Orphanet 140162, MedGen C0027672, MeSH D009386, MONDO:0015356.
Mismatch repair cancer syndrome 3. Identifiers: MedGen C5436807, MONDO:0030841, OMIM 619097.
Lynch syndrome 5 (LYNCH5). Also called: Colorectal cancer, hereditary nonpolyposis, type 5; Hereditary non-polyposis colorectal cancer, type 5. Identifiers: Orphanet 144, MedGen C1833477, MONDO:0013710, OMIM 614350. Disease mechanism: loss of function.
Hereditary nonpolyposis colorectal neoplasms. Identifiers: MedGen C0009405, MeSH D003123.

gnomAD v4.1: 2 of 1,614,068 alleles (0.00012%); highest among the groups gnomAD compares: Non-Finnish European, 0.00017%; no homozygotes.

Submissions (2):

Color Diagnostics, LLC DBA Color Health
Classification: Uncertain significance for Hereditary cancer-predisposing syndrome. Last evaluated: 2025-08-25. Review status: criteria provided, single submitter. Criteria: ACMG Guidelines, 2015. Collection method: clinical testing. Allele origin: germline.
Comment: This missense variant replaces methionine with leucine at codon 452 of the MSH6 protein. Computational prediction suggests that this variant may have deleterious impact on protein structure and function. To our knowledge, functional studies have not been reported for this variant. This variant has not been reported in individuals affected with MSH6-related disorders in the literature. This variant has not been identified in the general population by the Genome Aggregation Database (gnomAD). The available evidence is insufficient to determine the role of this variant in disease conclusively. Therefore, this variant is classified as a Variant of Uncertain Significance.

Labcorp Genetics (formerly Invitae), Labcorp
Classification: Uncertain significance for Hereditary nonpolyposis colorectal neoplasms. Last evaluated: 2022-01-28. Review status: criteria provided, single submitter. Criteria: Invitae Variant Classification Sherloc (09022015). Collection method: clinical testing. Allele origin: germline.
Comment: In summary, the available evidence is currently insufficient to determine the role of this variant in disease. Therefore, it has been classified as a Variant of Uncertain Significance. Advanced modeling of protein sequence and biophysical properties (such as structural, functional, and spatial information, amino acid conservation, physicochemical variation, residue mobility, and thermodynamic stability) performed at Invitae indicates that this missense variant is expected to disrupt MSH6 protein function. ClinVar contains an entry for this variant (Variation ID: 1045530). This variant has not been reported in the literature in individuals affected with MSH6-related conditions. This variant is not present in population databases (gnomAD no frequency). This sequence change replaces methionine, which is neutral and non-polar, with leucine, which is neutral and non-polar, at codon 452 of the MSH6 protein (p.Met452Leu).